The following is an entry in ClinVar:

NM_006947.4(SRP72):c.1556A>T (p.Glu519Val)

Gene: SRP72 (signal recognition particle 72; plus strand). Cytogenetic location: 4q12.
Variant type: single nucleotide variant.
Coding change: c.1556A>T on transcript NM_006947.4 (MANE Select); coding-DNA position 1556, A replaced by T.
Protein change: p.Glu519Val; replaces glutamic acid 519 with valine.
Molecular consequence: missense variant. On other transcripts: non-coding transcript variant (1).
Genome position (GRCh38, 1-based): chr4:56,491,484, A>T. VCF-style: chr4-56491484-A-T. GRCh37 (hg19) VCF-style: chr4-57357650-A-T.
Other names: c.1373A>T, p.Glu458Val (NM_001267722.2); c.1556A>T (NM_006947.3); short protein forms E458V, E519V.
Identifiers: ClinVar variation 1604847 (VCV001604847.13), dbSNP rs767910888, ClinGen allele CA2931404.

ClinVar aggregate classification (germline): Conflicting classifications of pathogenicity. Review status: criteria provided, conflicting classifications (1 of 4 stars). 4 submissions from 4 submitters: Uncertain significance (2); Likely benign (2). Last evaluated 2025-11-25.

Conditions:
SRP72-related disorder. Also called: SRP72-related condition.

Allele frequency attached by ClinVar (database versions not stated): gnomAD 0.00004; gnomAD exomes 0.00004 and 0.00012; TOPMed 0.00004; ExAC 0.00012.
gnomAD v4.1: 57 of 1,613,882 alleles (0.0035%); highest among the groups gnomAD compares: East Asian, 0.091%; no homozygotes.

Submissions (4):

PreventionGenetics, part of Exact Sciences
Classification: Likely benign for SRP72-related condition. Last evaluated: 2025-11-25. Review status: criteria provided, single submitter. Criteria: ACMG Guidelines, 2015. Collection method: clinical testing. Allele origin: germline.
Comment: This variant is classified as likely benign based on ACMG/AMP sequence variant interpretation guidelines (Richards et al. 2015 PMID: 25741868, with internal and published modifications).

Labcorp Genetics (formerly Invitae), Labcorp
Classification: Likely benign. Last evaluated: 2025-11-02. Review status: criteria provided, single submitter. Criteria: Invitae Variant Classification Sherloc (09022015). Collection method: clinical testing. Allele origin: germline.

Ambry Genetics
Classification: Uncertain significance. Last evaluated: 2024-12-20. Review status: criteria provided, single submitter. Criteria: Ambry Variant Classification Scheme 2023. Collection method: clinical testing. Allele origin: germline.
Comment: The p.E519V variant (also known as c.1556A>T), located in coding exon 16 of the SRP72 gene, results from an A to T substitution at nucleotide position 1556. The glutamic acid at codon 519 is replaced by valine, an amino acid with dissimilar properties. This amino acid position is conserved. In addition, the in silico prediction for this alteration is inconclusive. Based on the available evidence, the clinical significance of this variant remains unclear.

GeneDx
Classification: Uncertain significance. Last evaluated: 2024-07-30. Review status: criteria provided, single submitter. Criteria: GeneDx Variant Classification Process June 2021. Collection method: clinical testing. Allele origin: germline. Affected: yes.
Comment: In silico analysis supports that this missense variant has a deleterious effect on protein structure/function; Has not been previously published as pathogenic or benign to our knowledge